The following is an entry in ClinVar:

ClinVar aggregate classification (germline): Uncertain significance. Review status: criteria provided, multiple submitters, no conflicts (2 of 4 stars). 2 submissions from 2 submitters: Uncertain significance (2). Last evaluated 2024-10-01.

Conditions:
Inborn genetic diseases. Identifiers: MedGen C0950123, MeSH D030342.

gnomAD v4.1: 10 of 1,613,222 alleles (0.00062%); highest among the groups gnomAD compares: East Asian, 0.011%; no homozygotes.

Submissions (2):

Ambry Genetics
Classification: Uncertain significance for Inborn genetic diseases. Last evaluated: 2024-10-01. Review status: criteria provided, single submitter. Criteria: Ambry Variant Classification Scheme 2023. Collection method: clinical testing. Allele origin: germline.

Labcorp Genetics (formerly Invitae), Labcorp
Classification: Uncertain significance. Last evaluated: 2024-02-14. Review status: criteria provided, single submitter. Criteria: Invitae Variant Classification Sherloc (09022015). Collection method: clinical testing. Allele origin: germline.
Comment: This sequence change replaces isoleucine, which is neutral and non-polar, with threonine, which is neutral and polar, at codon 955 of the DUOX2 protein (p.Ile955Thr). This variant is present in population databases (rs752093078, gnomAD 0.009%). This variant has not been reported in the literature in individuals affected with DUOX2-related conditions. Advanced modeling of protein sequence and biophysical properties (such as structural, functional, and spatial information, amino acid conservation, physicochemical variation, residue mobility, and thermodynamic stability) performed at Invitae indicates that this missense variant is not expected to disrupt DUOX2 protein function with a negative predictive value of 80%. In summary, the available evidence is currently insufficient to determine the role of this variant in disease. Therefore, it has been classified as a Variant of Uncertain Significance.

NM_001363711.2(DUOX2):c.2864T>C (p.Ile955Thr)

Gene: DUOX2 (dual oxidase 2; minus strand). Cytogenetic location: 15q21.1.
Variant type: single nucleotide variant.
Coding change: c.2864T>C on transcript NM_001363711.2 (MANE Select); coding-DNA position 2864, T replaced by C.
Protein change: p.Ile955Thr; replaces isoleucine 955 with threonine.
Molecular consequence: missense variant.
Genome position (GRCh38, 1-based): chr15:45,101,262, A>G on the plus strand (T>C on the coding strand, the complement: DUOX2 is on the minus strand). VCF-style: chr15-45101262-A-G. GRCh37 (hg19) VCF-style: chr15-45393460-A-G.
Other names: c.2864T>C, p.Ile955Thr (NM_014080.5); short protein forms I955T.
Identifiers: ClinVar variation 3505750 (VCV003505750.3).